The following is an entry in ClinVar:

ClinVar aggregate classification (germline): Uncertain significance (1 of 4 stars; one submission).

gnomAD v4.1: 2 of 1,613,944 alleles (0.00012%); highest among the groups gnomAD compares: Admixed American, 0.0033%; no homozygotes.

Submission:

Labcorp Genetics (formerly Invitae), Labcorp
Classification: Uncertain significance. Last evaluated: 2022-04-25. Review status: criteria provided, single submitter. Criteria: Invitae Variant Classification Sherloc (09022015). Collection method: clinical testing. Allele origin: germline.
Comment: In summary, the available evidence is currently insufficient to determine the role of this variant in disease. Therefore, it has been classified as a Variant of Uncertain Significance. This sequence change replaces alanine, which is neutral and non-polar, with glycine, which is neutral and non-polar, at codon 288 of the DFNA5 protein (p.Ala288Gly). This variant is present in population databases (no rsID available, gnomAD 0.003%). This variant has not been reported in the literature in individuals affected with DFNA5-related conditions. Algorithms developed to predict the effect of missense changes on protein structure and function output the following: SIFT: "Tolerated"; PolyPhen-2: "Benign"; Align-GVGD: "Class C0". The glycine amino acid residue is found in multiple mammalian species, which suggests that this missense change does not adversely affect protein function.

NM_001127453.2(GSDME):c.863C>G (p.Ala288Gly)

Gene: GSDME (gasdermin E; minus strand). Cytogenetic location: 7p15.3.
Variant type: single nucleotide variant.
Coding change: c.863C>G on transcript NM_001127453.2 (MANE Select); coding-DNA position 863, C replaced by G.
Protein change: p.Ala288Gly; replaces alanine 288 with glycine.
Molecular consequence: missense variant.
Genome position (GRCh38, 1-based): chr7:24,708,254, G>C on the plus strand (C>G on the coding strand, the complement: GSDME is on the minus strand). VCF-style: chr7-24708254-G-C. GRCh37 (hg19) VCF-style: chr7-24747873-G-C.
Other names: c.371C>G, p.Ala124Gly (NM_001127454.2); c.863C>G, p.Ala288Gly (NM_004403.3); short protein forms A288G, A124G.
Identifiers: ClinVar variation 2056903 (VCV002056903.4), dbSNP rs150896230, ClinGen allele CA367047505.